The following is an entry in ClinVar:

ClinVar aggregate classification (germline): Pathogenic/Likely risk allele. Review status: no assertion criteria provided (0 of 4 stars). 2 submissions from 2 submitters: Pathogenic (1); Likely risk allele (1). Last evaluated 2022-06-09.

Conditions:
Pulmonary fibrosis. Identifiers: MedGen C0034069, MONDO:0002771, HP:0002206.
Pulmonary fibrosis and/or bone marrow failure, Telomere-related, 3. Also called: PULMONARY FIBROSIS AND/OR BONE MARROW FAILURE SYNDROME, TELOMERE-RELATED, 3. Identifiers: Orphanet 2032, MedGen C4225346, MONDO:0014613, OMIM 616373.

Submissions (2):

Garcia Pulmonary Genetics Research Laboratory, Columbia University Irving Medical Center
Classification: Likely risk allele for Pulmonary fibrosis. Last evaluated: 2022-06-09. Review status: no assertion criteria provided. Collection method: research. Allele origin: germline. Affected: yes.
Comment: Leukocyte telomere length (by qPCR) less than 10th percentile age-adjusted

OMIM
Classification: Pathogenic for PULMONARY FIBROSIS AND/OR BONE MARROW FAILURE SYNDROME, TELOMERE-RELATED, 3. Last evaluated: 2015-05-01. Review status: no assertion criteria provided. Collection method: literature only. Allele origin: germline.

Literature cited by the submitters: PubMed 25848748 (cited by OMIM).

NM_001283009.2(RTEL1):c.3371A>C (p.His1124Pro)

Genes: RTEL1 (regulator of telomere elongation helicase 1; plus strand), RTEL1-TNFRSF6B (RTEL1-TNFRSF6B readthrough (NMD candidate); plus strand). Cytogenetic location: 20q13.33.
Variant type: single nucleotide variant.
Coding change: c.3371A>C on transcript NM_001283009.2 (MANE Select); coding-DNA position 3371, A replaced by C.
Protein change: p.His1124Pro; replaces histidine 1124 with proline.
Molecular consequence: missense variant. On other transcripts: non-coding transcript variant (1).
Genome position (GRCh38, 1-based): chr20:63,695,093, A>C. VCF-style: chr20-63695093-A-C. GRCh37 (hg19) VCF-style: chr20-62326446-A-C.
Other names: p.His1124Pro; c.2702A>C, p.His901Pro (NM_001283010.1); c.3371A>C, p.His1124Pro (NM_016434.4); c.3443A>C, p.His1148Pro (NM_032957.5); short protein forms H1124P, H1148P, H901P.
Identifiers: ClinVar variation 190475 (VCV000190475.30), dbSNP rs786205702, ClinGen allele CA199731.